The following is an entry in ClinVar:

ClinVar aggregate classification (germline): Likely benign (0 of 4 stars; one submission).

Conditions:
PCNT-related disorder. Also called: PCNT-related condition.

gnomAD v4.1: 1 of 1,606,802 alleles (0.000062%); highest among the groups gnomAD compares: Non-Finnish European, 0.000085%; no homozygotes.

Submission:

PreventionGenetics, part of Exact Sciences
Classification: Likely benign for PCNT-related condition. Last evaluated: 2022-12-21. Review status: no assertion criteria provided. Collection method: clinical testing. Allele origin: germline.
Comment: This variant is classified as likely benign based on ACMG/AMP sequence variant interpretation guidelines (Richards et al. 2015 PMID: 25741868, with internal and published modifications).

NM_006031.6(PCNT):c.2602C>A (p.Arg868=)

Gene: PCNT (pericentrin; plus strand). Cytogenetic location: 21q22.3.
Variant type: single nucleotide variant.
Coding change: c.2602C>A on transcript NM_006031.6 (MANE Select); coding-DNA position 2602, C replaced by A.
Protein change: p.Arg868=; no amino-acid change (arginine 868 retained).
Molecular consequence: synonymous variant.
Genome position (GRCh38, 1-based): chr21:46,363,927, C>A. VCF-style: chr21-46363927-C-A. GRCh37 (hg19) VCF-style: chr21-47783842-C-A.
Other names: c.2248C>A, p.Arg750= (NM_001315529.2).
Identifiers: ClinVar variation 3356007 (VCV003356007.1).